The following is an entry in ClinVar:

NM_001379286.1(ZNF423):c.3277A>C (p.Asn1093His)

Gene: ZNF423 (zinc finger protein 423; minus strand). Cytogenetic location: 16q12.1.
Variant type: single nucleotide variant.
Coding change: c.3277A>C on transcript NM_001379286.1 (MANE Select); coding-DNA position 3277, A replaced by C.
Protein change: p.Asn1093His; replaces asparagine 1093 with histidine.
Molecular consequence: missense variant.
Genome position (GRCh38, 1-based): chr16:49,635,899, T>G on the plus strand (A>C on the coding strand, the complement: ZNF423 is on the minus strand). VCF-style: chr16-49635899-T-G. GRCh37 (hg19) VCF-style: chr16-49669810-T-G.
Other names: c.3073A>C, p.Asn1025His (NM_001271620.2); c.2902A>C, p.Asn968His (NM_001330533.2); c.3253A>C, p.Asn1085His (NM_015069.5); short protein forms N1085H, N968H, N1025H, N1093H.
Identifiers: ClinVar variation 1416966 (VCV001416966.7), dbSNP rs1239902492, ClinGen allele CA395839696.

ClinVar aggregate classification (germline): Uncertain significance. Review status: criteria provided, multiple submitters, no conflicts (2 of 4 stars). 2 submissions from 2 submitters: Uncertain significance (2). Last evaluated 2024-09-03.

Conditions:
Nephronophthisis 14 (NPHP14). Identifiers: Orphanet 2318, MedGen C3539071, MONDO:0013916, OMIM 614844.

Allele frequency attached by ClinVar (database versions not stated): gnomAD 0.00001; TOPMed 0.00001.
gnomAD v4.1: 3 of 1,581,960 alleles (0.00019%); highest among the groups gnomAD compares: Non-Finnish European, 0.00026%; no homozygotes.

Submissions (2):

Blueprint Genetics
Classification: Uncertain significance. Last evaluated: 2024-09-03. Review status: criteria provided, single submitter. Criteria: ACMG Guidelines, 2015. Collection method: clinical testing. Allele origin: germline.

Labcorp Genetics (formerly Invitae), Labcorp
Classification: Uncertain significance for Nephronophthisis 14. Last evaluated: 2023-07-10. Review status: criteria provided, single submitter. Criteria: Invitae Variant Classification Sherloc (09022015). Collection method: clinical testing. Allele origin: germline.
Comment: This variant has not been reported in the literature in individuals affected with ZNF423-related conditions. In summary, the available evidence is currently insufficient to determine the role of this variant in disease. Therefore, it has been classified as a Variant of Uncertain Significance. Advanced modeling of protein sequence and biophysical properties (such as structural, functional, and spatial information, amino acid conservation, physicochemical variation, residue mobility, and thermodynamic stability) performed at Invitae indicates that this missense variant is not expected to disrupt ZNF423 protein function. ClinVar contains an entry for this variant (Variation ID: 1416966). This variant is not present in population databases (gnomAD no frequency). This sequence change replaces asparagine, which is neutral and polar, with histidine, which is basic and polar, at codon 1085 of the ZNF423 protein (p.Asn1085His).